The following is an entry in ClinVar:

NM_006231.4(POLE):c.4450A>C (p.Ile1484Leu)

Gene: POLE (DNA polymerase epsilon, catalytic subunit; minus strand). Cytogenetic location: 12q24.33.
Variant type: single nucleotide variant.
Coding change: c.4450A>C on transcript NM_006231.4 (MANE Select); coding-DNA position 4450, A replaced by C.
Protein change: p.Ile1484Leu; replaces isoleucine 1484 with leucine.
Molecular consequence: missense variant.
Genome position (GRCh38, 1-based): chr12:132,643,325, T>G on the plus strand (A>C on the coding strand, the complement: POLE is on the minus strand). VCF-style: chr12-132643325-T-G. GRCh37 (hg19) VCF-style: chr12-133219911-T-G.
Other names: short protein forms I1484L.
Identifiers: ClinVar variation 240515 (VCV000240515.25), dbSNP rs772734618, ClinGen allele CA6892836.

ClinVar aggregate classification (germline): Conflicting classifications of pathogenicity. Review status: criteria provided, conflicting classifications (1 of 4 stars). 8 submissions from 8 submitters: Uncertain significance (4); Likely benign (4). Last evaluated 2026-01-28.

Conditions:
Facial dysmorphism-immunodeficiency-livedo-short stature syndrome. Also called: Facial dysmorphism, immunodeficiency, livedo, and short stature; FILS syndrome. Identifiers: Orphanet 352712, MedGen C3554576, MONDO:0014058, OMIM 615139.
Colorectal cancer, susceptibility to, 12 (CRCS12). Also called: COLORECTAL CANCER, SUSCEPTIBILITY TO, ON CHROMOSOME 12q24. Identifiers: Orphanet 220460, MedGen C3554460, MONDO:0014038, OMIM 615083.
Hereditary cancer-predisposing syndrome. Also called: Hereditary Cancer Syndrome; Tumor predisposition; Hereditary neoplastic syndrome; Neoplastic Syndromes, Hereditary. Identifiers: Orphanet 140162, MedGen C0027672, MeSH D009386, MONDO:0015356.

Allele frequency attached by ClinVar (database versions not stated): TOPMed 0.00002; gnomAD 0.00010.
gnomAD v4.1: 42 of 1,613,902 alleles (0.0026%); highest among the groups gnomAD compares: Non-Finnish European, 0.00025%; no homozygotes.

Submissions (8):

Labcorp Genetics (formerly Invitae), Labcorp
Classification: Likely benign. Last evaluated: 2026-01-28. Review status: criteria provided, single submitter. Criteria: Invitae Variant Classification Sherloc (09022015). Collection method: clinical testing. Allele origin: germline.

Ambry Genetics
Classification: Likely benign for Hereditary cancer-predisposing syndrome. Last evaluated: 2024-12-12. Review status: criteria provided, single submitter. Criteria: Ambry Variant Classification Scheme 2023. Collection method: clinical testing. Allele origin: germline.

Blueprint Genetics
Classification: Uncertain significance. Last evaluated: 2024-07-19. Review status: criteria provided, single submitter. Criteria: ACMG Guidelines, 2015. Collection method: clinical testing. Allele origin: germline.

GeneDx
Classification: Uncertain significance. Last evaluated: 2024-02-20. Review status: criteria provided, single submitter. Criteria: GeneDx Variant Classification Process June 2021. Collection method: clinical testing. Allele origin: germline. Affected: yes.
Comment: In silico analysis supports that this missense variant does not alter protein structure/function; Has not been previously published as pathogenic or benign to our knowledge

Sema4
Classification: Likely benign for Hereditary cancer-predisposing syndrome. Last evaluated: 2021-06-10. Review status: criteria provided, single submitter. Criteria: Sema4 Curation Guidelines. Collection method: curation. Allele origin: germline.

Quest Diagnostics Nichols Institute San Juan Capistrano
Classification: Likely benign. Last evaluated: 2020-05-29. Review status: criteria provided, single submitter. Criteria: Quest Diagnostics criteria. Collection method: clinical testing. Allele origin: unknown.

Fulgent Genetics
Classification: Uncertain significance for Colorectal cancer, susceptibility to, 12; Facial dysmorphism-immunodeficiency-livedo-short stature syndrome. Last evaluated: 2018-10-31. Review status: criteria provided, single submitter. Criteria: ACMG Guidelines, 2015. Collection method: clinical testing. Allele origin: unknown.

Genetic Services Laboratory, University of Chicago
Classification: Uncertain significance. Last evaluated: 2017-01-13. Review status: criteria provided, single submitter. Criteria: ACMG Guidelines, 2015. Collection method: clinical testing. Allele origin: germline. Affected: no.